The following is an entry in ClinVar:

NM_004369.4(COL6A3):c.6289C>T (p.Arg2097Trp)

Genes: COL6A3 (collagen type VI alpha 3 chain; minus strand), LOC122889011 (Sharpr-MPRA regulatory region 1020; plus strand). Cytogenetic location: 2q37.3.
Variant type: single nucleotide variant.
Coding change: c.6289C>T on transcript NM_004369.4 (MANE Select); coding-DNA position 6289, C replaced by T.
Protein change: p.Arg2097Trp; replaces arginine 2097 with tryptophan.
Molecular consequence: missense variant.
Genome position (GRCh38, 1-based): chr2:237,359,382, G>A on the plus strand (C>T on the coding strand, the complement: COL6A3 is on the minus strand). VCF-style: chr2-237359382-G-A. GRCh37 (hg19) VCF-style: chr2-238268025-G-A.
Other names: c.4468C>T, p.Arg1490Trp (NM_057166.5); c.5671C>T, p.Arg1891Trp (NM_057167.4); short protein forms R2097W, R1490W, R1891W.
Identifiers: ClinVar variation 288924 (VCV000288924.35), dbSNP rs148252611, ClinGen allele CA2188357.
Genomic context (GRCh38, chr2:237,359,382, plus strand): 5'-GAGAGTTTTCCATTTGTAAAACAAAACCAAGCTTGCATACCTTCTCTCCTGGGAATCCCC[G>A]AGAGCCCTAGAAGGCAAGGCGATAGGGGAAGCATTAGCTTTTCCTGCAGGGCTGGTCCCT-3'
Protein context (NP_004360.2, residues 2087-2107): CPGQRGVKGS[Arg2097Trp]GFPGEKGEVG

ClinVar aggregate classification (germline): Conflicting classifications of pathogenicity. Review status: criteria provided, conflicting classifications (1 of 4 stars). 4 submissions from 4 submitters: Uncertain significance (3); Likely benign (1). Last evaluated 2026-01-27.

Conditions:
Bethlem myopathy 1A. Also called: Bethlem myopathy 1; Bethlem Muscular Dystrophy; MYOPATHY, BENIGN CONGENITAL, WITH CONTRACTURES. Identifiers: Orphanet 610, MedGen CN029274, MONDO:0024530, OMIM 158810.

Allele frequency attached by ClinVar (database versions not stated): gnomAD 0.00006 and 0.00009; ExAC 0.00007; TOPMed 0.00007; gnomAD exomes 0.00008; ESP Exome Variant Server 0.00015.
gnomAD v4.1: 122 of 1,613,776 alleles (0.0076%); highest among the groups gnomAD compares: South Asian, 0.026%; no homozygotes.

Submissions (4):

Labcorp Genetics (formerly Invitae), Labcorp
Classification: Likely benign for Bethlem myopathy 1A. Last evaluated: 2026-01-27. Review status: criteria provided, single submitter. Criteria: Invitae Variant Classification Sherloc (09022015). Collection method: clinical testing. Allele origin: germline.

CeGaT Center for Human Genetics Tuebingen
Classification: Uncertain significance. Last evaluated: 2024-04-01. Review status: criteria provided, single submitter. Criteria: CeGaT Center For Human Genetics Tuebingen Variant Classification Criteria Version 2. Collection method: clinical testing. Allele origin: germline. Affected: yes. Observed: 1 variant allele.
Comment: COL6A3: PS2, BS2

Revvity Omics, Revvity
Classification: Uncertain significance. Last evaluated: 2021-06-08. Review status: criteria provided, single submitter. Criteria: ACMG Guidelines, 2015. Collection method: clinical testing. Allele origin: germline.

Eurofins Ntd Llc (ga)
Classification: Uncertain significance. Last evaluated: 2016-06-23. Review status: criteria provided, single submitter. Criteria: EGL Classification Definitions 2015. Collection method: clinical testing. Allele origin: germline. Observed: 2 variant alleles, 2 heterozygotes.